The following is an entry in ClinVar:

ClinVar aggregate classification (germline): Pathogenic (1 of 4 stars; one submission).

Submission:

Labcorp Genetics (formerly Invitae), Labcorp
Classification: Pathogenic. Last evaluated: 2023-03-07. Review status: criteria provided, single submitter. Criteria: Invitae Variant Classification Sherloc (09022015). Collection method: clinical testing. Allele origin: germline.
Comment: For these reasons, this variant has been classified as Pathogenic. This variant has not been reported in the literature in individuals affected with TBCD-related conditions. This variant is not present in population databases (gnomAD no frequency). This sequence change creates a premature translational stop signal (p.Ala732Glyfs*8) in the TBCD gene. It is expected to result in an absent or disrupted protein product. Loss-of-function variants in TBCD are known to be pathogenic (PMID: 27666370, 27666374).

Literature cited by the submitters: PubMed 27666370; PubMed 27666374.

NM_005993.5(TBCD):c.2194dup (p.Ala732fs)

Gene: TBCD (tubulin folding cofactor D). Cytogenetic location: 17q25.3.
Variant type: Duplication.
Coding change: c.2194dup on transcript NM_005993.5 (MANE Select); coding-DNA position 2194, one base duplicated.
Protein change: p.Ala732fs; shifts the reading frame from alanine 732.
Molecular consequence: frameshift variant.
Genome position: GRCh38 VCF-style: chr17-82923665-C-CG. GRCh37 (hg19) VCF-style: chr17-80881541-C-CG.
Other names: c.2143dup, p.Ala715fs (NM_001411101.1); c.2113dup, p.Ala705fs (NM_001411102.1); short protein forms A715fs, A705fs, A732fs.
Identifiers: ClinVar variation 2841515 (VCV002841515.3), dbSNP rs2510685983, ClinGen allele CA2739268529.